The following is an entry in ClinVar:

ClinVar aggregate classification (germline): Uncertain significance (1 of 4 stars; one submission).

Conditions:
Genitopatellar syndrome (GTPTS). Also called: ABSENT PATELLAE, SCROTAL HYPOPLASIA, RENAL ANOMALIES, FACIAL DYSMORPHISM, AND MENTAL RETARDATION; Genitopatellar syndrome (GPS). Identifiers: Orphanet 85201, MedGen C1853566, MONDO:0011640, OMIM 606170.

Allele frequency attached by ClinVar (database versions not stated): gnomAD exomes 0.00001.
gnomAD v4.1: 20 of 1,614,136 alleles (0.0012%); highest among the groups gnomAD compares: Non-Finnish European, 0.0016%; no homozygotes.

Submission:

Labcorp Genetics (formerly Invitae), Labcorp
Classification: Uncertain significance for Genitopatellar syndrome. Last evaluated: 2024-12-09. Review status: criteria provided, single submitter. Criteria: Invitae Variant Classification Sherloc (09022015). Collection method: clinical testing. Allele origin: germline.
Comment: This sequence change replaces threonine, which is neutral and polar, with isoleucine, which is neutral and non-polar, at codon 1565 of the KAT6B protein (p.Thr1565Ile). This variant is present in population databases (no rsID available, gnomAD 0.003%). This variant has not been reported in the literature in individuals affected with KAT6B-related conditions. ClinVar contains an entry for this variant (Variation ID: 2914260). Invitae Evidence Modeling of protein sequence and biophysical properties (such as structural, functional, and spatial information, amino acid conservation, physicochemical variation, residue mobility, and thermodynamic stability) indicates that this missense variant is not expected to disrupt KAT6B protein function with a negative predictive value of 80%. In summary, the available evidence is currently insufficient to determine the role of this variant in disease. Therefore, it has been classified as a Variant of Uncertain Significance.

NM_012330.4(KAT6B):c.4694C>T (p.Thr1565Ile)

Gene: KAT6B (lysine acetyltransferase 6B; plus strand). Cytogenetic location: 10q22.2.
Variant type: single nucleotide variant.
Coding change: c.4694C>T on transcript NM_012330.4 (MANE Select); coding-DNA position 4694, C replaced by T.
Protein change: p.Thr1565Ile; replaces threonine 1565 with isoleucine.
Molecular consequence: missense variant.
Genome position (GRCh38, 1-based): chr10:75,029,518, C>T. VCF-style: chr10-75029518-C-T. GRCh37 (hg19) VCF-style: chr10-76789276-C-T.
Other names: c.4145C>T, p.Thr1382Ile (NM_001256468.2, NM_001370138.1); c.3818C>T, p.Thr1273Ile (NM_001256469.2, NM_001370139.1, NM_001370140.1 and 2 more transcripts); c.3656C>T, p.Thr1219Ile (NM_001370132.1); c.3005C>T, p.Thr1002Ile (NM_001370133.1); c.2609C>T, p.Thr870Ile (NM_001370134.1); c.2351C>T, p.Thr784Ile (NM_001370135.1); c.4694C>T, p.Thr1565Ile (NM_001370136.1, NM_001370137.1); c.3629C>T, p.Thr1210Ile (NM_001370143.1, NM_001370144.1); short protein forms T1273I, T784I, T870I, T1210I, T1219I, T1382I, T1002I, T1565I.
Identifiers: ClinVar variation 2914260 (VCV002914260.3), dbSNP rs1212688824, ClinGen allele CA377298440.